The following is an entry in ClinVar:

ClinVar aggregate classification (germline): Pathogenic (1 of 4 stars; one submission).

Conditions:
Deficiency of alpha-mannosidase (MANSA). Also called: LYSOSOMAL ALPHA-D-MANNOSIDASE DEFICIENCY; Alpha-Mannosidosis; Mannosidosis, alpha-, types I and II. Identifiers: Orphanet 61, MedGen C0024748, MONDO:0009561, OMIM 248500.

Submission:

Myriad Genetics, Inc.
Classification: Pathogenic for Deficiency of alpha-mannosidase. Last evaluated: 2023-09-27. Review status: criteria provided, single submitter. Criteria: Myriad Autosomal Dominant, Autosomal Recessive and X-Linked Classification Criteria (2023). Collection method: clinical testing. Allele origin: unknown.
Comment: NM_000528.3(MAN2B1):c.721dupG(A241Gfs*83) is expected to be pathogenic in the context of alpha-mannosidosis. This variant is predicted to lead to an abnormal or absent protein product due to the creation of a premature termination codon in MAN2B1, a gene where loss-of-function variants are known to be pathogenic. Please note: this variant was assessed in the context of healthy population screening.

NM_000528.4(MAN2B1):c.721dup (p.Ala241fs)

Gene: MAN2B1 (mannosidase alpha class 2B member 1; minus strand). Cytogenetic location: 19p13.13.
Variant type: Duplication.
Coding change: c.721dup on transcript NM_000528.4 (MANE Select); coding-DNA position 721, one base duplicated (G; older notation c.721dupG).
Protein change: p.Ala241fs; shifts the reading frame from alanine 241.
Molecular consequence: frameshift variant.
Genome position (GRCh38, 1-based): chr19:12,663,745, C duplicated on the plus strand (G on the coding strand, the reverse complement: MAN2B1 is on the minus strand); the first of 3 consecutive C bases (chr19:12,663,745-12,663,747); duplicating any one gives the same sequence. VCF-style (leftmost placement, unchanged base first): chr19-12663744-G-GC. GRCh37 (hg19) VCF-style: chr19-12774558-G-GC.
Other names: c.721dup, p.Ala241fs (NM_001173498.2, NM_001440570.1); short protein forms A241fs.
Identifiers: ClinVar variation 5012146 (VCV005012146.1).